The following is an entry in ClinVar:

ClinVar aggregate classification (germline): Uncertain significance. Review status: criteria provided, multiple submitters, no conflicts (2 of 4 stars). 2 submissions from 2 submitters: Uncertain significance (2). Last evaluated 2025-07-16.

Conditions:
Curry-Hall syndrome (WAD). Also called: WEYERS ACRODENTAL DYSOSTOSIS. Identifiers: Orphanet 952, MedGen C0457013, MONDO:0008673, OMIM 193530.
Ellis-van Creveld syndrome (EVC). Also called: EVC-Related Ellis-van Creveld Syndrome; EVC2-Related Ellis-van Creveld Syndrome; MESOECTODERMAL DYSPLASIA; Chondroectodermal dysplasia. Identifiers: Orphanet 289, MedGen C0013903, MONDO:0009162, OMIM 225500.
Inborn genetic diseases. Identifiers: MedGen C0950123, MeSH D030342.

gnomAD v4.1: 85 of 1,613,840 alleles (0.0053%); highest among the groups gnomAD compares: Non-Finnish European, 0.0069%; no homozygotes.

Submissions (2):

Ambry Genetics
Classification: Uncertain significance for Inborn genetic diseases. Last evaluated: 2025-07-16. Review status: criteria provided, single submitter. Criteria: Ambry Variant Classification Scheme 2023. Collection method: clinical testing. Allele origin: germline.

Labcorp Genetics (formerly Invitae), Labcorp
Classification: Uncertain significance for Curry-Hall syndrome; Ellis-van Creveld syndrome. Last evaluated: 2024-10-22. Review status: criteria provided, single submitter. Criteria: Invitae Variant Classification Sherloc (09022015). Collection method: clinical testing. Allele origin: germline.
Comment: This sequence change replaces proline, which is neutral and non-polar, with serine, which is neutral and polar, at codon 815 of the EVC2 protein (p.Pro815Ser). This variant is present in population databases (rs201210334, gnomAD 0.003%). This variant has not been reported in the literature in individuals affected with EVC2-related conditions. An algorithm developed to predict the effect of missense changes on protein structure and function (PolyPhen-2) suggests that this variant is likely to be tolerated. In summary, the available evidence is currently insufficient to determine the role of this variant in disease. Therefore, it has been classified as a Variant of Uncertain Significance.

NM_147127.5(EVC2):c.2443C>T (p.Pro815Ser)

Gene: EVC2 (EvC ciliary complex subunit 2; minus strand). Cytogenetic location: 4p16.2.
Variant type: single nucleotide variant.
Coding change: c.2443C>T on transcript NM_147127.5 (MANE Select); coding-DNA position 2443, C replaced by T.
Protein change: p.Pro815Ser; replaces proline 815 with serine.
Molecular consequence: missense variant.
Genome position (GRCh38, 1-based): chr4:5,622,595, G>A on the plus strand (C>T on the coding strand, the complement: EVC2 is on the minus strand). VCF-style: chr4-5622595-G-A. GRCh37 (hg19) VCF-style: chr4-5624322-G-A.
Other names: c.2443C>T (NM_147127.4); c.2203C>T, p.Pro735Ser (NM_001166136.2); short protein forms P735S, P815S.
Identifiers: ClinVar variation 3755409 (VCV003755409.3).